The following is an entry in ClinVar:

ClinVar aggregate classification (germline): Pathogenic (1 of 4 stars; one submission).

Submission:

Labcorp Genetics (formerly Invitae), Labcorp
Classification: Pathogenic. Last evaluated: 2022-11-15. Review status: criteria provided, single submitter. Criteria: Invitae Variant Classification Sherloc (09022015). Collection method: clinical testing. Allele origin: germline.
Comment: For these reasons, this variant has been classified as Pathogenic. ClinVar contains an entry for this variant (Variation ID: 1373394). This variant has not been reported in the literature in individuals affected with ASPM-related conditions. This variant is present in population databases (rs765613900, gnomAD 0.0009%). This sequence change creates a premature translational stop signal (p.Lys698Serfs*10) in the ASPM gene. It is expected to result in an absent or disrupted protein product. Loss-of-function variants in ASPM are known to be pathogenic (PMID: 19028728, 23611254).

Literature cited by the submitters: PubMed 19028728; PubMed 23611254.

NM_018136.5(ASPM):c.2093del (p.Lys698fs)

Gene: ASPM (assembly factor for spindle microtubules; minus strand). Cytogenetic location: 1q31.3.
Variant type: Deletion.
Coding change: c.2093del on transcript NM_018136.5 (MANE Select); coding-DNA position 2093, one base deleted (A; older notation c.2093delA).
Protein change: p.Lys698fs; shifts the reading frame from lysine 698.
Molecular consequence: frameshift variant.
Genome position (GRCh38, 1-based): chr1:197,135,176, T deleted on the plus strand (A on the coding strand, the reverse complement: ASPM is on the minus strand); the first of 4 consecutive T bases (chr1:197,135,176-197,135,179); deleting any one gives the same sequence. VCF-style (leftmost placement, unchanged base first): chr1-197135175-CT-C. GRCh37 (hg19) VCF-style: chr1-197104305-CT-C.
Other names: c.2093del, p.Lys698fs (NM_001206846.2); short protein forms K698fs.
Identifiers: ClinVar variation 1373394 (VCV001373394.6), dbSNP rs765613900, ClinGen allele CA1310555.